The following is an entry in ClinVar:

ClinVar aggregate classification (germline): Uncertain significance (1 of 4 stars; one submission).

gnomAD v4.1: 1 of 1,613,096 alleles (0.000062%); no homozygotes.

Submission:

Labcorp Genetics (formerly Invitae), Labcorp
Classification: Uncertain significance. Last evaluated: 2023-08-04. Review status: criteria provided, single submitter. Criteria: Invitae Variant Classification Sherloc (09022015). Collection method: clinical testing. Allele origin: germline.
Comment: This variant is not present in population databases (gnomAD no frequency). This sequence change replaces glycine, which is neutral and non-polar, with aspartic acid, which is acidic and polar, at codon 60 of the GUCA1B protein (p.Gly60Asp). This variant has not been reported in the literature in individuals affected with GUCA1B-related conditions. In summary, the available evidence is currently insufficient to determine the role of this variant in disease. Therefore, it has been classified as a Variant of Uncertain Significance. An algorithm developed to predict the effect of missense changes on protein structure and function (PolyPhen-2) suggests that this variant is likely to be tolerated. ClinVar contains an entry for this variant (Variation ID: 1495699).

NM_002098.6(GUCA1B):c.179G>A (p.Gly60Asp)

Gene: GUCA1B (guanylate cyclase activator 1B; minus strand). Cytogenetic location: 6p21.1.
Variant type: single nucleotide variant.
Coding change: c.179G>A on transcript NM_002098.6 (MANE Select); coding-DNA position 179, G replaced by A.
Protein change: p.Gly60Asp; replaces glycine 60 with aspartic acid.
Molecular consequence: missense variant.
Genome position (GRCh38, 1-based): chr6:42,194,642, C>T on the plus strand (G>A on the coding strand, the complement: GUCA1B is on the minus strand). VCF-style: chr6-42194642-C-T. GRCh37 (hg19) VCF-style: chr6-42162380-C-T.
Other names: short protein forms G60D.
Identifiers: ClinVar variation 1495699 (VCV001495699.8), dbSNP rs2113849659, ClinGen allele CA364113825.